The following is an entry in ClinVar:

ClinVar aggregate classification (germline): Uncertain significance (1 of 4 stars; one submission).

Conditions:
Charcot-Marie-Tooth disease type 4. Also called: Charcot-Marie-Tooth disease, type IV; Charcot-Marie-Tooth, Type 4. Identifiers: Orphanet 64749, MedGen C4082197, MONDO:0018995.

Allele frequency attached by ClinVar (database versions not stated): gnomAD exomes below 0.00001.
gnomAD v4.1: 2 of 1,596,892 alleles (0.00013%); highest among the groups gnomAD compares: East Asian, 0.0045%; no homozygotes.

Submission:

Labcorp Genetics (formerly Invitae), Labcorp
Classification: Uncertain significance for Charcot-Marie-Tooth disease type 4. Last evaluated: 2022-10-12. Review status: criteria provided, single submitter. Criteria: Invitae Variant Classification Sherloc (09022015). Collection method: clinical testing. Allele origin: germline.
Comment: In summary, the available evidence is currently insufficient to determine the role of this variant in disease. Therefore, it has been classified as a Variant of Uncertain Significance. Advanced modeling of protein sequence and biophysical properties (such as structural, functional, and spatial information, amino acid conservation, physicochemical variation, residue mobility, and thermodynamic stability) performed at Invitae indicates that this missense variant is expected to disrupt SBF2 protein function. This variant has not been reported in the literature in individuals affected with SBF2-related conditions. This variant is not present in population databases (gnomAD no frequency). This sequence change replaces leucine, which is neutral and non-polar, with methionine, which is neutral and non-polar, at codon 295 of the SBF2 protein (p.Leu295Met).

NM_030962.4(SBF2):c.883T>A (p.Leu295Met)

Gene: SBF2 (SET binding factor 2; minus strand). Cytogenetic location: 11p15.4.
Variant type: single nucleotide variant.
Coding change: c.883T>A on transcript NM_030962.4 (MANE Select); coding-DNA position 883, T replaced by A.
Protein change: p.Leu295Met; replaces leucine 295 with methionine.
Molecular consequence: missense variant.
Genome position (GRCh38, 1-based): chr11:9,998,358, A>T on the plus strand (T>A on the coding strand, the complement: SBF2 is on the minus strand). VCF-style: chr11-9998358-A-T. GRCh37 (hg19) VCF-style: chr11-10019905-A-T.
Other names: c.883T>A, p.Leu295Met (NM_001386339.1, NM_001386342.1); short protein forms L295M.
Identifiers: ClinVar variation 1968622 (VCV001968622.5), dbSNP rs1025057775, ClinGen allele CA217654569.